The following is an entry in ClinVar:

ClinVar aggregate classification (germline): Uncertain significance (1 of 4 stars; one submission).

Allele frequency attached by ClinVar (database versions not stated): gnomAD 0.00001; gnomAD exomes 0.00001; TOPMed 0.00001; ExAC 0.00005.
gnomAD v4.1: 18 of 1,580,630 alleles (0.0011%); highest among the groups gnomAD compares: Admixed American, 0.0018%; no homozygotes.

Submission:

Labcorp Genetics (formerly Invitae), Labcorp
Classification: Uncertain significance. Last evaluated: 2022-06-03. Review status: criteria provided, single submitter. Criteria: Invitae Variant Classification Sherloc (09022015). Collection method: clinical testing. Allele origin: germline.
Comment: This sequence change replaces proline, which is neutral and non-polar, with serine, which is neutral and polar, at codon 1340 of the SBF1 protein (p.Pro1340Ser). The frequency data for this variant in the population databases is considered unreliable, as metrics indicate poor data quality at this position in the gnomAD database. This variant has not been reported in the literature in individuals affected with SBF1-related conditions. Algorithms developed to predict the effect of missense changes on protein structure and function output the following: SIFT: "Tolerated"; PolyPhen-2: "Benign"; Align-GVGD: "Class C0". The serine amino acid residue is found in multiple mammalian species, which suggests that this missense change does not adversely affect protein function. In summary, the available evidence is currently insufficient to determine the role of this variant in disease. Therefore, it has been classified as a Variant of Uncertain Significance.

NM_002972.4(SBF1):c.4018C>T (p.Pro1340Ser)

Gene: SBF1 (SET binding factor 1; minus strand). Cytogenetic location: 22q13.33.
Variant type: single nucleotide variant.
Coding change: c.4018C>T on transcript NM_002972.4 (MANE Select); coding-DNA position 4018, C replaced by T.
Protein change: p.Pro1340Ser; replaces proline 1340 with serine.
Molecular consequence: missense variant.
Genome position (GRCh38, 1-based): chr22:50,456,560, G>A on the plus strand (C>T on the coding strand, the complement: SBF1 is on the minus strand). VCF-style: chr22-50456560-G-A. GRCh37 (hg19) VCF-style: chr22-50894989-G-A.
Other names: c.3943C>T, p.Pro1315Ser (NM_001365819.1); c.4021C>T, p.Pro1341Ser (NM_001410794.1); c.3940C>T, p.Pro1314Ser (NM_001410795.1); c.4018C>T, p.Pro1340Ser (NM_197971.1); short protein forms P1315S, P1340S, P1314S, P1341S.
Identifiers: ClinVar variation 2189024 (VCV002189024.1), dbSNP rs771620522, ClinGen allele CA10316434.